The following is an entry in ClinVar:

ClinVar aggregate classification (germline): Uncertain significance (1 of 4 stars; one submission).

Conditions:
Cardiovascular phenotype. Identifiers: MedGen CN230736.

Submission:

Ambry Genetics
Classification: Uncertain significance for Cardiovascular phenotype. Last evaluated: 2023-12-03. Review status: criteria provided, single submitter. Criteria: Ambry Variant Classification Scheme 2023. Collection method: clinical testing. Allele origin: germline.
Comment: The p.V212A variant (also known as c.635T>C), located in coding exon 2 of the RBM20 gene, results from a T to C substitution at nucleotide position 635. The valine at codon 212 is replaced by alanine, an amino acid with similar properties. This amino acid position is conserved. In addition, the in silico prediction for this alteration is inconclusive. Since supporting evidence is limited at this time, the clinical significance of this alteration remains unclear.

NM_001134363.3(RBM20):c.635T>C (p.Val212Ala)

Gene: RBM20 (RNA binding motif protein 20; plus strand). Cytogenetic location: 10q25.2.
Variant type: single nucleotide variant.
Coding change: c.635T>C on transcript NM_001134363.3 (MANE Select); coding-DNA position 635, T replaced by C.
Protein change: p.Val212Ala; replaces valine 212 with alanine.
Molecular consequence: missense variant.
Genome position (GRCh38, 1-based): chr10:110,781,244, T>C. VCF-style: chr10-110781244-T-C. GRCh37 (hg19) VCF-style: chr10-112541002-T-C.
Other names: short protein forms V212A.
Identifiers: ClinVar variation 3233219 (VCV003233219.1), dbSNP rs1259089626, ClinGen allele CA378381768.